The following is an entry in ClinVar:

ClinVar aggregate classification (germline): Uncertain significance. Review status: criteria provided, multiple submitters, no conflicts (2 of 4 stars). 2 submissions from 2 submitters: Uncertain significance (2). Last evaluated 2023-06-01.

Conditions:
Hereditary cancer-predisposing syndrome. Also called: Tumor predisposition; Hereditary Cancer Syndrome; Hereditary neoplastic syndrome; Neoplastic Syndromes, Hereditary. Identifiers: Orphanet 140162, MedGen C0027672, MeSH D009386, MONDO:0015356.
Gastrointestinal stromal tumor. Also called: Gastrointestinal stroma tumor; Gastrointestinal stromal tumor, somatic. Identifiers: Orphanet 44890, MedGen C0238198, MeSH D046152, MONDO:0011719, OMIM 606764, HP:0100723.

Submissions (2):

Ambry Genetics
Classification: Uncertain significance for Hereditary cancer-predisposing syndrome. Last evaluated: 2023-06-01. Review status: criteria provided, single submitter. Criteria: Ambry Variant Classification Scheme 2023. Collection method: clinical testing. Allele origin: germline.
Comment: The p.L678I variant (also known as c.2032C>A), located in coding exon 14 of the KIT gene, results from a C to A substitution at nucleotide position 2032. The leucine at codon 678 is replaced by isoleucine, an amino acid with highly similar properties. This amino acid position is conserved. In addition, this alteration is predicted to be deleterious by in silico analysis. Since supporting evidence is limited at this time, the clinical significance of this alteration remains unclear.

Labcorp Genetics (formerly Invitae), Labcorp
Classification: Uncertain significance for Gastrointestinal stromal tumor. Last evaluated: 2022-03-12. Review status: criteria provided, single submitter. Criteria: Invitae Variant Classification Sherloc (09022015). Collection method: clinical testing. Allele origin: germline.
Comment: In summary, the available evidence is currently insufficient to determine the role of this variant in disease. Therefore, it has been classified as a Variant of Uncertain Significance. This sequence change replaces leucine, which is neutral and non-polar, with isoleucine, which is neutral and non-polar, at codon 678 of the KIT protein (p.Leu678Ile). This variant is not present in population databases (gnomAD no frequency). This variant has not been reported in the literature in individuals affected with KIT-related conditions. Algorithms developed to predict the effect of missense changes on protein structure and function are either unavailable or do not agree on the potential impact of this missense change (SIFT: "Deleterious"; PolyPhen-2: "Possibly Damaging"; Align-GVGD: "Class C0").

NM_000222.3(KIT):c.2032C>A (p.Leu678Ile)

Gene: KIT (KIT proto-oncogene, receptor tyrosine kinase; plus strand). Cytogenetic location: 4q12.
Variant type: single nucleotide variant.
Coding change: c.2032C>A on transcript NM_000222.3 (MANE Select); coding-DNA position 2032, C replaced by A.
Protein change: p.Leu678Ile; replaces leucine 678 with isoleucine.
Molecular consequence: missense variant.
Genome position (GRCh38, 1-based): chr4:54,729,376, C>A. VCF-style: chr4-54729376-C-A. GRCh37 (hg19) VCF-style: chr4-55595542-C-A.
Other names: c.2020C>A, p.Leu674Ile (NM_001093772.2, NM_001385286.1); c.2035C>A, p.Leu679Ile (NM_001385284.1, NM_001385290.1); c.2032C>A, p.Leu678Ile (NM_001385285.1); c.2023C>A, p.Leu675Ile (NM_001385288.1, NM_001385292.1); short protein forms L674I, L675I, L678I, L679I.
Identifiers: ClinVar variation 1967857 (VCV001967857.7), dbSNP rs2109786187, ClinGen allele CA356909364.